The following is an entry in ClinVar:

NM_001267550.2(TTN):c.107684T>C (p.Ile35895Thr)

Genes: TTN-AS1 (TTN antisense RNA 1; plus strand), TTN (titin; minus strand). Cytogenetic location: 2q31.2.
Variant type: single nucleotide variant.
Coding change: c.107684T>C on transcript NM_001267550.2 (MANE Select); coding-DNA position 107684, T replaced by C.
Protein change: p.Ile35895Thr; replaces isoleucine 35895 with threonine.
Molecular consequence: missense variant.
Genome position (GRCh38, 1-based): chr2:178,527,304, A>G on the plus strand (T>C on the coding strand, the complement: TTN is on the minus strand). VCF-style: chr2-178527304-A-G. GRCh37 (hg19) VCF-style: chr2-179392031-A-G.
Other names: c.102761T>C, p.Ile34254Thr (NM_001256850.1); c.80489T>C, p.Ile26830Thr (NM_003319.4); c.99980T>C, p.Ile33327Thr (NM_133378.4); c.80864T>C, p.Ile26955Thr (NM_133432.3); c.81065T>C, p.Ile27022Thr (NM_133437.4); short protein forms I26830T, I26955T, I27022T, I33327T, I34254T, I35895T.
Identifiers: ClinVar variation 1053338 (VCV001053338.7), dbSNP rs2154130013, ClinGen allele CA349399652.
Genomic context (GRCh38, chr2:178,527,304, plus strand): 5'-GTTAGAACTTTGCCTTCATCAATGCTGATATCAGATGGAAGAGCTTCAATTTTAGGCGGA[A>G]TTCCTTTATGGAACAATGACAAAAAAAAGGTCTTAGAATCACTGAAAAAAATAAAGATTT-3'
Protein context (NP_001254479.2, residues 35885-35905): SKMLKAGIRG[Ile35895Thr]PPKIEALPSD

ClinVar aggregate classification (germline): Uncertain significance (1 of 4 stars; one submission).

Conditions:
Dilated cardiomyopathy 1G (CMD1G). Identifiers: Orphanet 154, MedGen C1858763, MONDO:0011400, OMIM 604145.
Autosomal recessive limb-girdle muscular dystrophy type 2J (LGMDR10). Also called: Limb-girdle muscular dystrophy, type 2J; MUSCULAR DYSTROPHY, LIMB-GIRDLE, AUTOSOMAL RECESSIVE 10. Identifiers: Orphanet 140922, MedGen C1837342, MONDO:0012127, OMIM 608807.

Submission:

Labcorp Genetics (formerly Invitae), Labcorp
Classification: Uncertain significance for Dilated cardiomyopathy 1G; Autosomal recessive limb-girdle muscular dystrophy type 2J. Last evaluated: 2025-03-07. Review status: criteria provided, single submitter. Criteria: Invitae Variant Classification Sherloc (09022015). Collection method: clinical testing. Allele origin: germline.
Comment: This sequence change replaces isoleucine, which is neutral and non-polar, with threonine, which is neutral and polar, at codon 35895 of the TTN protein (p.Ile35895Thr). This variant is not present in population databases (gnomAD no frequency). This variant has not been reported in the literature in individuals affected with TTN-related conditions. ClinVar contains an entry for this variant (Variation ID: 1053338). An algorithm developed to predict the effect of missense changes on protein structure and function outputs the following: PolyPhen-2: "Not Available". The threonine amino acid residue is found in multiple mammalian species, which suggests that this missense change does not adversely affect protein function. This variant is located in the M band of TTN (PMID: 25589632). Non-truncating variants in this region may be relevant for neuromuscular disorders, but have not been definitively shown to cause cardiomyopathy (PMID: 23975875). In summary, the available evidence is currently insufficient to determine the role of this variant in disease. Therefore, it has been classified as a Variant of Uncertain Significance.

Literature cited by the submitters: PubMed 25589632; PubMed 23975875.